The following is an entry in ClinVar:

NM_002485.5(NBN):c.1463C>G (p.Ser488Cys)

Gene: NBN (nibrin; minus strand). Cytogenetic location: 8q21.3.
Variant type: single nucleotide variant.
Coding change: c.1463C>G on transcript NM_002485.5 (MANE Select); coding-DNA position 1463, C replaced by G.
Protein change: p.Ser488Cys; replaces serine 488 with cysteine.
Molecular consequence: missense variant.
Genome position (GRCh38, 1-based): chr8:89,953,626, G>C on the plus strand (C>G on the coding strand, the complement: NBN is on the minus strand). VCF-style: chr8-89953626-G-C. GRCh37 (hg19) VCF-style: chr8-90965854-G-C.
Other names: c.1217C>G, p.Ser406Cys (NM_001024688.3); short protein forms S488C, S406C.
Identifiers: ClinVar variation 411763 (VCV000411763.22), dbSNP rs1060503472, ClinGen allele CA16612477.
Genomic context (GRCh38, chr8:89,953,626, plus strand): 5'-AGATGCTGCTCCTTATTTTTCCACAATGAGGGTGTAGCAGGTTGTGTTTGTTCTAAAAGA[G>C]AACAAGACGTTTCTATTCTTGCTGATTTGCATGAAGACATTTCTTGATTTTCTTCATCCC-3'
Protein context (NP_002476.2, residues 478-498): CKSARIETSC[Ser488Cys]LLEQTQPATP

ClinVar aggregate classification (germline): Uncertain significance. Review status: criteria provided, multiple submitters, no conflicts (2 of 4 stars). 4 submissions from 4 submitters: Uncertain significance (3). 1 of the submissions does not count toward it. Last evaluated 2023-09-22.

Conditions:
Microcephaly, normal intelligence and immunodeficiency (NBS). Also called: IMMUNODEFICIENCY, MICROCEPHALY, AND CHROMOSOMAL INSTABILITY; SEEMANOVA SYNDROME II; Immunodeficiency, microcephaly with normal intelligence; Ataxia telangiectasia variant V1; Nijmegen breakage syndrome; Microcephaly with normal intelligence immunodeficiency and lymphoreticular malignancies. Identifiers: Orphanet 647, MedGen C0398791, MONDO:0009623, OMIM 251260.
Hereditary cancer-predisposing syndrome. Also called: Hereditary neoplastic syndrome; Neoplastic Syndromes, Hereditary; Tumor predisposition; Hereditary Cancer Syndrome. Identifiers: Orphanet 140162, MedGen C0027672, MeSH D009386, MONDO:0015356.

Allele frequency attached by ClinVar (database versions not stated): gnomAD exomes below 0.00001.
gnomAD v4.1: 1 of 1,613,036 alleles (0.000062%); highest among the groups gnomAD compares: Non-Finnish European, 0.000085%; no homozygotes.

Submissions (4):

Ambry Genetics
Classification: Uncertain significance for Hereditary cancer-predisposing syndrome. Last evaluated: 2023-09-22. Review status: criteria provided, single submitter. Criteria: Ambry Variant Classification Scheme 2023. Collection method: clinical testing. Allele origin: germline.
Comment: The p.S488C variant (also known as c.1463C>G), located in coding exon 11 of the NBN gene, results from a C to G substitution at nucleotide position 1463. The serine at codon 488 is replaced by cysteine, an amino acid with dissimilar properties. This variant was observed in an individual with early onset-breast cancer amongst a cohort of 1781 non-Ashkenazi Jewish individuals undergoing BRCA1/2 gene testing based on a personal history of breast cancer (Tung N et al. Cancer, 2015 Jan;121:25-33). This amino acid position is highly conserved in available vertebrate species. In addition, this alteration is predicted to be tolerated by in silico analysis. Since supporting evidence is limited at this time, the clinical significance of this alteration remains unclear.

Labcorp Genetics (formerly Invitae), Labcorp
Classification: Uncertain significance for Microcephaly, normal intelligence and immunodeficiency. Last evaluated: 2022-01-06. Review status: criteria provided, single submitter. Criteria: Invitae Variant Classification Sherloc (09022015). Collection method: clinical testing. Allele origin: germline.
Comment: In summary, the available evidence is currently insufficient to determine the role of this variant in disease. Therefore, it has been classified as a Variant of Uncertain Significance. Algorithms developed to predict the effect of missense changes on protein structure and function are either unavailable or do not agree on the potential impact of this missense change (SIFT: "Tolerated"; PolyPhen-2: "Possibly Damaging"; Align-GVGD: "Class C0"). ClinVar contains an entry for this variant (Variation ID: 411763). This variant has not been reported in the literature in individuals affected with NBN-related conditions. This variant is not present in population databases (gnomAD no frequency). This sequence change replaces serine, which is neutral and polar, with cysteine, which is neutral and slightly polar, at codon 488 of the NBN protein (p.Ser488Cys).

Genome-Nilou Lab
Classification: Uncertain significance for Microcephaly, normal intelligence and immunodeficiency. Last evaluated: 2021-11-07. Review status: criteria provided, single submitter. Criteria: ACMG Guidelines, 2015. Collection method: clinical testing. Allele origin: germline. Affected: no.

Natera, Inc.
Classification: Uncertain significance for Nijmegen breakage syndrome. Last evaluated: 2021-03-14. Review status: no assertion criteria provided. Collection method: clinical testing. Allele origin: germline. Not counted in ClinVar's aggregate classification.

Literature cited by the submitters: PubMed 25186627 (cited by Ambry Genetics).